The following is an entry in ClinVar:

NM_001005273.3(CHD3):c.126G>T (p.Pro42=)

Gene: CHD3 (chromodomain helicase DNA binding protein 3; plus strand). Cytogenetic location: 17p13.1.
Variant type: single nucleotide variant.
Coding change: c.126G>T on transcript NM_001005273.3 (MANE Select); coding-DNA position 126, G replaced by T.
Protein change: p.Pro42=; no amino-acid change (proline 42 retained).
Molecular consequence: synonymous variant.
Genome position (GRCh38, 1-based): chr17:7,889,689, G>T. VCF-style: chr17-7889689-G-T. GRCh37 (hg19) VCF-style: chr17-7793007-G-T.
Other names: c.303G>T, p.Pro101= (NM_001005271.3); c.126G>T, p.Pro42= (NM_005852.4).
Identifiers: ClinVar variation 3345186 (VCV003345186.1).

ClinVar aggregate classification (germline): Uncertain significance (0 of 4 stars; one submission).

Conditions:
CHD3-related disorder. Also called: CHD3-related condition.

Submission:

PreventionGenetics, part of Exact Sciences
Classification: Uncertain significance for CHD3-related condition. Last evaluated: 2024-04-29. Review status: no assertion criteria provided. Collection method: clinical testing. Allele origin: germline.
Comment: The CHD3 c.303G>T variant is not predicted to result in an amino acid change (p.=). This variant is predicted to impact splicing based on splicing prediction programs (SpliceAI, Jaganathan et al. 2019. PubMed ID: 30661751). To our knowledge, this variant has not been reported in the literature or in a large population database, indicating this variant is rare. At this time, the clinical significance of this variant is uncertain due to the absence of conclusive functional and genetic evidence.